The following is an entry in ClinVar:

NM_000037.4(ANK1):c.4740T>C (p.Ala1580=)

Gene: ANK1 (ankyrin 1; minus strand). Cytogenetic location: 8p11.21.
Variant type: single nucleotide variant.
Coding change: c.4740T>C on transcript NM_000037.4 (MANE Select); coding-DNA position 4740, T replaced by C.
Protein change: p.Ala1580=; no amino-acid change (alanine 1580 retained).
Molecular consequence: synonymous variant. On other transcripts: intron variant (1).
Genome position (GRCh38, 1-based): chr8:41,672,710, A>G on the plus strand (T>C on the coding strand, the complement: ANK1 is on the minus strand). VCF-style: chr8-41672710-A-G. GRCh37 (hg19) VCF-style: chr8-41530228-A-G.
Other names: p.Ala1580=; c.4863T>C, p.Ala1621= (NM_001142446.2); c.4740T>C, p.Ala1580= (NM_020475.3, NM_020476.3); c.4538-284T>C (NM_020477.3).
Identifiers: ClinVar variation 4683330 (VCV004683330.1).

ClinVar aggregate classification (germline): Likely benign (1 of 4 stars; one submission).

Submission:

Mayo Clinic Laboratories, Mayo Clinic
Classification: Likely benign. Last evaluated: 2025-11-12. Review status: criteria provided, single submitter. Criteria: ACMG Guidelines, 2015. Collection method: clinical testing. Allele origin: germline. Observed: 1 variant allele.
Comment: BP4, BP7, PM2_supporting